The following is an entry in ClinVar:

NM_144991.3(TSPEAR):c.871C>T (p.Arg291Trp)

Gene: TSPEAR (thrombospondin type laminin G domain and EAR repeats; minus strand). Cytogenetic location: 21q22.3.
Variant type: single nucleotide variant.
Coding change: c.871C>T on transcript NM_144991.3 (MANE Select); coding-DNA position 871, C replaced by T.
Protein change: p.Arg291Trp; replaces arginine 291 with tryptophan.
Molecular consequence: missense variant.
Genome position (GRCh38, 1-based): chr21:44,528,503, G>A on the plus strand (C>T on the coding strand, the complement: TSPEAR is on the minus strand). VCF-style: chr21-44528503-G-A. GRCh37 (hg19) VCF-style: chr21-45948386-G-A.
Other names: c.667C>T, p.Arg223Trp (NM_001272037.2); short protein forms R223W, R291W.
Identifiers: ClinVar variation 3811595 (VCV003811595.2).

ClinVar aggregate classification (germline): Uncertain significance. Review status: criteria provided, multiple submitters, no conflicts (2 of 4 stars). 2 submissions from 2 submitters: Uncertain significance (2). Last evaluated 2025-02-13.

Conditions:
TSPEAR-related disorder. Also called: TSPEAR-related condition.
Inborn genetic diseases. Identifiers: MedGen C0950123, MeSH D030342.

Submissions (2):

PreventionGenetics, part of Exact Sciences
Classification: Uncertain significance for TSPEAR-related condition. Last evaluated: 2025-02-13. Review status: criteria provided, single submitter. Criteria: ACMG Guidelines, 2015. Collection method: clinical testing. Allele origin: germline.
Comment: The TSPEAR c.871C>T variant is predicted to result in the amino acid substitution p.Arg291Trp. To our knowledge, this variant has not been reported in the literature. This variant is reported in 0.032% of alleles in individuals of African descent in gnomAD. At this time, the clinical significance of this variant is uncertain due to the absence of conclusive functional and genetic evidence.

Ambry Genetics
Classification: Uncertain significance for Inborn genetic diseases. Last evaluated: 2025-01-10. Review status: criteria provided, single submitter. Criteria: Ambry Variant Classification Scheme 2023. Collection method: clinical testing. Allele origin: germline.